The following is an entry in ClinVar:

NM_006947.4(SRP72):c.970C>T (p.Arg324Cys)

Gene: SRP72 (signal recognition particle 72; plus strand). Cytogenetic location: 4q12.
Variant type: single nucleotide variant.
Coding change: c.970C>T on transcript NM_006947.4 (MANE Select); coding-DNA position 970, C replaced by T.
Protein change: p.Arg324Cys; replaces arginine 324 with cysteine.
Molecular consequence: missense variant. On other transcripts: non-coding transcript variant (1).
Genome position (GRCh38, 1-based): chr4:56,484,748, C>T. VCF-style: chr4-56484748-C-T. GRCh37 (hg19) VCF-style: chr4-57350914-C-T.
Other names: c.787C>T, p.Arg263Cys (NM_001267722.2); c.970C>T (NM_006947.3); short protein forms R263C, R324C.
Identifiers: ClinVar variation 1498186 (VCV001498186.9), dbSNP rs367919002, ClinGen allele CA2931242.

ClinVar aggregate classification (germline): Uncertain significance. Review status: criteria provided, multiple submitters, no conflicts (2 of 4 stars). 3 submissions from 3 submitters: Uncertain significance (3). Last evaluated 2026-01-19.

Allele frequency attached by ClinVar (database versions not stated): ExAC 0.00003; gnomAD exomes 0.00003; gnomAD 0.00006; TOPMed 0.00008; ESP Exome Variant Server 0.00015.
gnomAD v4.1: 55 of 1,613,860 alleles (0.0034%); highest among the groups gnomAD compares: African/African-American, 0.017%; no homozygotes.

Submissions (3):

Labcorp Genetics (formerly Invitae), Labcorp
Classification: Uncertain significance. Last evaluated: 2026-01-19. Review status: criteria provided, single submitter. Criteria: Invitae Variant Classification Sherloc (09022015). Collection method: clinical testing. Allele origin: germline.
Comment: This sequence change replaces arginine, which is basic and polar, with cysteine, which is neutral and slightly polar, at codon 324 of the SRP72 protein (p.Arg324Cys). This variant is present in population databases (rs367919002, gnomAD 0.02%). This variant has not been reported in the literature in individuals affected with SRP72-related conditions. ClinVar contains an entry for this variant (Variation ID: 1498186). Invitae Evidence Modeling of protein sequence and biophysical properties (such as structural, functional, and spatial information, amino acid conservation, physicochemical variation, residue mobility, and thermodynamic stability) indicates that this missense variant is expected to disrupt SRP72 protein function with a positive predictive value of 80%. In summary, the available evidence is currently insufficient to determine the role of this variant in disease. Therefore, it has been classified as a Variant of Uncertain Significance.

Ambry Genetics
Classification: Uncertain significance. Last evaluated: 2025-02-26. Review status: criteria provided, single submitter. Criteria: Ambry Variant Classification Scheme 2023. Collection method: clinical testing. Allele origin: germline.

GeneDx
Classification: Uncertain significance. Last evaluated: 2022-11-30. Review status: criteria provided, single submitter. Criteria: GeneDx Variant Classification Process June 2021. Collection method: clinical testing. Allele origin: germline. Affected: yes.
Comment: In silico analysis supports that this missense variant has a deleterious effect on protein structure/function; Has not been previously published as pathogenic or benign to our knowledge